The following is an entry in ClinVar:

NC_000013.11:g.48303713G>A

Gene: RB1 (RB transcriptional corepressor 1; plus strand). Cytogenetic location: 13q14.2.
Variant type: single nucleotide variant.
Genome position: GRCh38 VCF-style: chr13-48303713-G-A. GRCh37 (hg19) VCF-style: chr13-48877849-G-A.
Identifiers: ClinVar variation 3631814 (VCV003631814.1).

ClinVar aggregate classification (germline): Uncertain significance (1 of 4 stars; one submission).

Conditions:
Retinoblastoma (RB1). Also called: RETINOBLASTOMA, SOMATIC. Identifiers: Orphanet 790, MedGen C0035335, MeSH D012175, MONDO:0008380, OMIM 180200, HP:0009919. Disease mechanism: loss of function. Inheritance: Both sporadic and heritable forms are tested..

Submission:

Labcorp Genetics (formerly Invitae), Labcorp
Classification: Uncertain significance for Retinoblastoma. Last evaluated: 2024-04-03. Review status: criteria provided, single submitter. Criteria: Invitae Variant Classification Sherloc (09022015). Collection method: clinical testing. Allele origin: germline.
Comment: This variant occurs in a non-coding region of the RB1 gene. It does not change the encoded amino acid sequence of the RB1 protein. This variant is not present in population databases (gnomAD no frequency). This variant has not been reported in the literature in individuals affected with RB1-related conditions. Experimental studies and prediction algorithms are not available or were not evaluated, and the functional significance of this variant is currently unknown. In summary, the available evidence is currently insufficient to determine the role of this variant in disease. Therefore, it has been classified as a Variant of Uncertain Significance.